The following is an entry in ClinVar:

NM_003072.5(SMARCA4):c.374G>A (p.Gly125Asp)

Gene: SMARCA4 (SWI/SNF related BAF chromatin remodeling complex subunit ATPase 4; plus strand). Cytogenetic location: 19p13.2.
Variant type: single nucleotide variant.
Coding change: c.374G>A on transcript NM_003072.5 (MANE Select); coding-DNA position 374, G replaced by A.
Protein change: p.Gly125Asp; replaces glycine 125 with aspartic acid.
Molecular consequence: missense variant. On other transcripts: non-coding transcript variant (1).
Genome position (GRCh38, 1-based): chr19:10,986,207, G>A. VCF-style: chr19-10986207-G-A. GRCh37 (hg19) VCF-style: chr19-11096883-G-A.
Other names: c.374G>A, p.Gly125Asp (NM_001128844.3, NM_001128845.2, NM_001128846.2 and 5 more transcripts); short protein forms G125D.
Identifiers: ClinVar variation 1039502 (VCV001039502.11), dbSNP rs757566936, ClinGen allele CA9203495.
Genomic context (GRCh38, chr19:10,986,207, plus strand): 5'-CATATGCTGCCGAGTGACCAGTGGGCTGACCTTTCTCTGCAGGTTACCCCTCGCCCCTGG[G>A]TGGCTCTGAGCATGCCTCTAGTCCAGTTCCAGCCAGTGGCCCGTCTTCGGGGCCCCAGAT-3'
Protein context (NP_003063.2, residues 115-135): QHSQGYPSPL[Gly125Asp]GSEHASSPVP

ClinVar aggregate classification (germline): Uncertain significance. Review status: criteria provided, multiple submitters, no conflicts (2 of 4 stars). 3 submissions from 3 submitters: Uncertain significance (3). Last evaluated 2026-03-09.

Conditions:
Rhabdoid tumor predisposition syndrome 2 (RTPS2). Identifiers: Orphanet 231108, Orphanet 69077, MedGen C2750074, MONDO:0013224, OMIM 613325.
SMARCA4-related disorder. Also called: SMARCA4-related condition.
Hereditary cancer-predisposing syndrome. Also called: Tumor predisposition; Hereditary neoplastic syndrome; Neoplastic Syndromes, Hereditary; Hereditary Cancer Syndrome. Identifiers: Orphanet 140162, MedGen C0027672, MeSH D009386, MONDO:0015356.

Allele frequency attached by ClinVar (database versions not stated): gnomAD exomes below 0.00001; ExAC 0.00001.
gnomAD v4.1: 3 of 1,613,904 alleles (0.00019%); highest among the groups gnomAD compares: Non-Finnish European, 0.00025%; no homozygotes.

Submissions (3):

PreventionGenetics, part of Exact Sciences
Classification: Uncertain significance for SMARCA4-related condition. Last evaluated: 2026-03-09. Review status: criteria provided, single submitter. Criteria: ACMG Guidelines, 2015. Collection method: clinical testing. Allele origin: germline.
Comment: The SMARCA4 c.374G>A variant is predicted to result in the amino acid substitution p.Gly125Asp. To our knowledge, this variant has not been reported in the literature. This variant is reported in 0.00090% of alleles in individuals of European (Non-Finnish) descent in gnomAD and is classified as uncertain in ClinVar (Variation ID: 1039502). At this time, the clinical significance of this variant is uncertain due to the absence of conclusive functional and genetic evidence.

Ambry Genetics
Classification: Uncertain significance for Hereditary cancer-predisposing syndrome. Last evaluated: 2024-04-17. Review status: criteria provided, single submitter. Criteria: Ambry Variant Classification Scheme 2023. Collection method: clinical testing. Allele origin: germline.
Comment: The p.G125D variant (also known as c.374G>A), located in coding exon 3 of the SMARCA4 gene, results from a G to A substitution at nucleotide position 374. The glycine at codon 125 is replaced by aspartic acid, an amino acid with similar properties. This amino acid position is highly conserved in available vertebrate species. In addition, this alteration is predicted to be deleterious by in silico analysis. Based on the available evidence, the clinical significance of this variant remains unclear.

Labcorp Genetics (formerly Invitae), Labcorp
Classification: Uncertain significance for Rhabdoid tumor predisposition syndrome 2. Last evaluated: 2022-09-12. Review status: criteria provided, single submitter. Criteria: Invitae Variant Classification Sherloc (09022015). Collection method: clinical testing. Allele origin: germline.
Comment: In summary, the available evidence is currently insufficient to determine the role of this variant in disease. Therefore, it has been classified as a Variant of Uncertain Significance. Algorithms developed to predict the effect of missense changes on protein structure and function (SIFT, PolyPhen-2, Align-GVGD) all suggest that this variant is likely to be disruptive. ClinVar contains an entry for this variant (Variation ID: 1039502). This variant has not been reported in the literature in individuals affected with SMARCA4-related conditions. This variant is present in population databases (rs757566936, gnomAD 0.0009%). This sequence change replaces glycine, which is neutral and non-polar, with aspartic acid, which is acidic and polar, at codon 125 of the SMARCA4 protein (p.Gly125Asp).